The following is an entry in ClinVar:

NM_001303256.3(MORC2):c.1517G>A (p.Arg506Lys)

Gene: MORC2 (MORC family CW-type zinc finger 2; minus strand). Cytogenetic location: 22q12.2.
Variant type: single nucleotide variant.
Coding change: c.1517G>A on transcript NM_001303256.3 (MANE Select); coding-DNA position 1517, G replaced by A.
Protein change: p.Arg506Lys; replaces arginine 506 with lysine.
Molecular consequence: missense variant.
Genome position (GRCh38, 1-based): chr22:30,937,019, C>T on the plus strand (G>A on the coding strand, the complement: MORC2 is on the minus strand). VCF-style: chr22-30937019-C-T. GRCh37 (hg19) VCF-style: chr22-31333006-C-T.
Other names: c.1517G>A, p.Arg506Lys (NM_001303257.2); c.1331G>A, p.Arg444Lys (NM_014941.3); short protein forms R444K, R506K.
Identifiers: ClinVar variation 1801908 (VCV001801908.1), dbSNP rs2517586433, ClinGen allele CA411237590.
Genomic context (GRCh38, chr22:30,937,019, plus strand): 5'-GAGCAAACCCAGGTGTCAGGGTAATCTTTTTCCACAGAACTCAGCTGGAAGGGGAGGGTT[C>T]TCCATTTCAGACACAAATCTGCAGAGAGCAAAAAAACCCCACATATCAGCCACGCCCACC-3'
Protein context (NP_001290185.1, residues 496-516): TIQCDLCLKW[Arg506Lys]TLPFQLSSVE

ClinVar aggregate classification (germline): Uncertain significance (1 of 4 stars; one submission).

Submission:

GeneDx
Classification: Uncertain significance. Last evaluated: 2022-05-31. Review status: criteria provided, single submitter. Criteria: GeneDx Variant Classification Process June 2021. Collection method: clinical testing. Allele origin: germline. Affected: yes.
Comment: Not observed at significant frequency in large population cohorts (gnomAD); In silico analysis supports that this missense variant has a deleterious effect on protein structure/function; In silico analysis suggests this variant may impact gene splicing. In the absence of RNA/functional studies, the actual effect of this sequence change is unknown.; Has not been previously published as pathogenic or benign to our knowledge.